The following is an entry in ClinVar:

ClinVar aggregate classification (germline): Uncertain significance. Review status: criteria provided, multiple submitters, no conflicts (2 of 4 stars). 3 submissions from 3 submitters: Uncertain significance (3). Last evaluated 2025-10-30.

Conditions:
Ataxia-telangiectasia-like disorder (ATLD). Identifiers: MedGen C1858391, MONDO:0011457.
Hereditary cancer-predisposing syndrome. Also called: Neoplastic Syndromes, Hereditary; Tumor predisposition; Hereditary neoplastic syndrome; Hereditary Cancer Syndrome. Identifiers: Orphanet 140162, MedGen C0027672, MeSH D009386, MONDO:0015356.

Allele frequency attached by ClinVar (database versions not stated): gnomAD exomes below 0.00001.
gnomAD v4.1: 2 of 1,612,812 alleles (0.00012%); highest among the groups gnomAD compares: Admixed American, 0.0033%; no homozygotes.

Submissions (3):

Ambry Genetics
Classification: Uncertain significance for Hereditary cancer-predisposing syndrome. Last evaluated: 2025-10-30. Review status: criteria provided, single submitter. Criteria: Ambry Variant Classification Scheme 2023. Collection method: clinical testing. Allele origin: germline.
Comment: The p.F193L variant (also known as c.579T>G), located in coding exon 6 of the MRE11A gene, results from a T to G substitution at nucleotide position 579. The phenylalanine at codon 193 is replaced by leucine, an amino acid with highly similar properties. This amino acid position is highly conserved in available vertebrate species. In addition, this alteration is predicted to be deleterious by in silico analysis. Since supporting evidence is limited at this time, the clinical significance of this alteration remains unclear.

Quest Diagnostics Nichols Institute San Juan Capistrano
Classification: Uncertain significance. Last evaluated: 2024-06-21. Review status: criteria provided, single submitter. Criteria: Quest Diagnostics criteria. Collection method: clinical testing. Allele origin: unknown.

Labcorp Genetics (formerly Invitae), Labcorp
Classification: Uncertain significance for Ataxia-telangiectasia-like disorder. Last evaluated: 2021-09-02. Review status: criteria provided, single submitter. Criteria: Invitae Variant Classification Sherloc (09022015). Collection method: clinical testing. Allele origin: germline.
Comment: This sequence change replaces phenylalanine with leucine at codon 193 of the MRE11 protein (p.Phe193Leu). The phenylalanine residue is highly conserved and there is a small physicochemical difference between phenylalanine and leucine. This variant is not present in population databases (ExAC no frequency). This variant has not been reported in the literature in individuals affected with MRE11-related conditions. ClinVar contains an entry for this variant (Variation ID: 825978). Algorithms developed to predict the effect of missense changes on protein structure and function are either unavailable or do not agree on the potential impact of this missense change (SIFT: "Tolerated"; PolyPhen-2: "Possibly Damaging"; Align-GVGD: "Class C0"). In summary, the available evidence is currently insufficient to determine the role of this variant in disease. Therefore, it has been classified as a Variant of Uncertain Significance.

NM_005591.4(MRE11):c.579T>G (p.Phe193Leu)

Gene: MRE11 (MRE11 double strand break repair nuclease; minus strand). Cytogenetic location: 11q21.
Variant type: single nucleotide variant.
Coding change: c.579T>G on transcript NM_005591.4 (MANE Select); coding-DNA position 579, T replaced by G.
Protein change: p.Phe193Leu; replaces phenylalanine 193 with leucine.
Molecular consequence: missense variant.
Genome position (GRCh38, 1-based): chr11:94,476,369, A>C on the plus strand (T>G on the coding strand, the complement: MRE11 is on the minus strand). VCF-style: chr11-94476369-A-C. GRCh37 (hg19) VCF-style: chr11-94209535-A-C.
Other names: c.579T>G, p.Phe193Leu (NM_001330347.2, NM_005590.4); short protein forms F193L.
Identifiers: ClinVar variation 825978 (VCV000825978.12), dbSNP rs1228609222, ClinGen allele CA382376929.